The following is an entry in ClinVar:

NM_001371279.1(REEP1):c.104_105del (p.Tyr35fs)

Gene: REEP1 (receptor accessory protein 1; minus strand). Cytogenetic location: 2p11.2.
Variant type: Microsatellite.
Coding change: c.104_105del on transcript NM_001371279.1 (MANE Select); coding-DNA positions 104 to 105, 2 bases deleted (AT; older notation c.104_105delAT).
Protein change: p.Tyr35fs; shifts the reading frame from tyrosine 35.
Molecular consequence: frameshift variant. On other transcripts: intron variant (1).
Genome position (GRCh38, 1-based): chr2:86,282,170-86,282,171, AT deleted on the plus strand (AT on the coding strand, the reverse complement: REEP1 is on the minus strand); deleting any 2 consecutive bases within chr2:86,282,170-86,282,173 gives the same sequence; the c. name uses the placement nearest the transcript's 3' end. VCF-style (leftmost placement, unchanged base first): chr2-86282169-CAT-C. GRCh37 (hg19) VCF-style: chr2-86509292-CAT-C.
Other names: c.125_126del, p.Tyr42fs (NM_001164730.2); c.104_105del, p.Tyr35fs (NM_001164732.2, NM_001371280.1, NM_001410855.1 and 2 more transcripts); c.25-18130_25-18129del (NM_001164731.2); short protein forms Y42fs, Y35fs.
Identifiers: ClinVar variation 3720351 (VCV003720351.2).

ClinVar aggregate classification (germline): Pathogenic (1 of 4 stars; one submission).

Conditions:
Hereditary spastic paraplegia 31. Also called: SPASTIC PARAPLEGIA 31, AUTOSOMAL DOMINANT. Identifiers: Orphanet 101011, MedGen C1853247, MONDO:0012453, OMIM 610250.

Submission:

Labcorp Genetics (formerly Invitae), Labcorp
Classification: Pathogenic for Hereditary spastic paraplegia 31. Last evaluated: 2024-07-06. Review status: criteria provided, single submitter. Criteria: Invitae Variant Classification Sherloc (09022015). Collection method: clinical testing. Allele origin: germline.
Comment: This sequence change creates a premature translational stop signal (p.Tyr35Cysfs*32) in the REEP1 gene. It is expected to result in an absent or disrupted protein product. Loss-of-function variants in REEP1 are known to be pathogenic (PMID: 18321925, 18644145, 32655478). This variant is not present in population databases (gnomAD no frequency). This premature translational stop signal has been observed in individual(s) with autosomal dominant hereditary spastic paraplegia (PMID: 18321925). It has also been observed to segregate with disease in related individuals. Algorithms developed to predict the effect of sequence changes on RNA splicing suggest that this variant may disrupt the consensus splice site. For these reasons, this variant has been classified as Pathogenic.

Literature cited by the submitters: PubMed 18321925; PubMed 18644145; PubMed 32655478.